The following is an entry in ClinVar:

ClinVar aggregate classification (germline): Uncertain significance (1 of 4 stars; one submission).

Submission:

GeneDx
Classification: Uncertain significance. Last evaluated: 2026-03-17. Review status: criteria provided, single submitter. Criteria: GeneDx Variant Classification Process June 2021. Collection method: clinical testing. Allele origin: germline.
Comment: Nonsense variant predicted to result in protein truncation or nonsense mediated decay in a gene or region of a gene for which loss of function is not a well-established mechanism of disease; Not observed at significant frequency in large population cohorts (gnomAD); Has not been previously published as pathogenic or benign to our knowledge

NM_003458.4(BSN):c.3865C>T (p.Gln1289Ter)

Gene: BSN (bassoon presynaptic cytomatrix protein; plus strand). Cytogenetic location: 3p21.31.
Variant type: single nucleotide variant.
Coding change: c.3865C>T on transcript NM_003458.4 (MANE Select); coding-DNA position 3865, C replaced by T.
Protein change: p.Gln1289Ter; replaces glutamine 1289 with a stop codon.
Molecular consequence: nonsense.
Genome position (GRCh38, 1-based): chr3:49,653,421, C>T. VCF-style: chr3-49653421-C-T. GRCh37 (hg19) VCF-style: chr3-49690854-C-T.
Other names: short protein forms Q1289*.
Identifiers: ClinVar variation 5009342 (VCV005009342.1).
Genomic context (GRCh38, chr3:49,653,421, plus strand): 5'-CGCATGCGGCAGGCCTCCTCACGAGACCTGGCTTTTGCTGAGGACAAAAAGAAGGAGAAG[C>T]AGTTTCTAAATGCTGAGAGTGCATACATGGACCCAATGAAGCAAAATGGTGGCCCCCTTA-3'